The following is an entry in ClinVar:

ClinVar aggregate classification (germline): Likely benign (1 of 4 stars; one submission).

Conditions:
TRAF6-related disorder. Also called: TRAF6-related condition.

gnomAD v4.1: 228 of 1,613,532 alleles (0.014%); highest among the groups gnomAD compares: African/African-American, 0.29%; no homozygotes.

Submission:

PreventionGenetics, part of Exact Sciences
Classification: Likely benign for TRAF6-related condition. Last evaluated: 2025-08-06. Review status: criteria provided, single submitter. Criteria: ACMG Guidelines, 2015. Collection method: clinical testing. Allele origin: germline.
Comment: This variant is classified as likely benign based on ACMG/AMP sequence variant interpretation guidelines (Richards et al. 2015 PMID: 25741868, with internal and published modifications).

NM_004620.4(TRAF6):c.351A>G (p.Leu117=)

Gene: TRAF6 (TNF receptor associated factor 6; minus strand). Cytogenetic location: 11p12.
Variant type: single nucleotide variant.
Coding change: c.351A>G on transcript NM_004620.4 (MANE Select); coding-DNA position 351, A replaced by G.
Protein change: p.Leu117=; no amino-acid change (leucine 117 retained).
Molecular consequence: synonymous variant.
Genome position (GRCh38, 1-based): chr11:36,498,586, T>C on the plus strand (A>G on the coding strand, the complement: TRAF6 is on the minus strand). VCF-style: chr11-36498586-T-C. GRCh37 (hg19) VCF-style: chr11-36520136-T-C.
Other names: c.351A>G, p.Leu117= (NM_145803.3).
Identifiers: ClinVar variation 4989626 (VCV004989626.1).
Genomic context (GRCh38, chr11:36,498,586, plus strand): 5'-TTCATTTGGACATTTCACCATCAGAGAAAGAATCTCACGTTTTGCAAAATTGTCTGGAAA[T>C]AGTTGATTTTCCAGCAGTATTTCATTGTCAACTGGACATTTGTGACCTGCATCCCTAACA-3'
Protein context (NP_004611.1, residues 107-127): VDNEILLENQ[Leu117=]FPDNFAKREI